The following is an entry in ClinVar:

ClinVar aggregate classification (germline): Benign/Likely benign. Review status: criteria provided, multiple submitters, no conflicts (2 of 4 stars). 5 submissions from 5 submitters: Benign (4); Likely benign (1). Last evaluated 2026-01-04.

Conditions:
Microcytic anemia. Identifiers: MedGen C5194182, MONDO:0001245, HP:0001935. Disease mechanism: loss of function.

Allele frequency attached by ClinVar (database versions not stated): gnomAD exomes 0.00067 and 0.00145; ExAC 0.00366; ESP Exome Variant Server 0.00462; gnomAD 0.00486 and 0.00511; TOPMed 0.00567; 1000 Genomes Project 0.00699; 1000 Genomes Project 30x 0.00750.
gnomAD v4.1: 1,706 of 1,564,804 alleles (0.11%); highest among the groups gnomAD compares: African/African-American, 1.7%; 15 homozygotes.

Submissions (5):

Labcorp Genetics (formerly Invitae), Labcorp
Classification: Benign. Last evaluated: 2026-01-04. Review status: criteria provided, single submitter. Criteria: Invitae Variant Classification Sherloc (09022015). Collection method: clinical testing. Allele origin: germline.

Blueprint Genetics
Classification: Likely benign. Last evaluated: 2024-10-14. Review status: criteria provided, single submitter. Criteria: ACMG Guidelines, 2015. Collection method: clinical testing. Allele origin: germline.

Mayo Clinic Laboratories, Mayo Clinic
Classification: Benign. Last evaluated: 2023-05-19. Review status: criteria provided, single submitter. Criteria: ACMG Guidelines, 2015. Collection method: clinical testing. Allele origin: germline. Observed: 3 variant alleles.
Comment: BS1, BP4, BP7

Illumina Laboratory Services, Illumina
Classification: Benign for Iron-refractory iron deficiency anemia. Last evaluated: 2017-04-28. Review status: criteria provided, single submitter. Criteria: ICSL Variant Classification Criteria 13 December 2019. Collection method: clinical testing. Allele origin: germline.
Comment: This variant was observed as part of a predisposition screen in an ostensibly healthy population. A literature search was performed for the gene, cDNA change, and amino acid change (where applicable). No publications were found based on this search. Allele frequency data from public databases was too high to be consistent with this variant causing disease. Therefore, this variant is classified as benign.

Breakthrough Genomics
Classification: Benign. Review status: criteria provided, single submitter. Criteria: ACMG Guidelines, 2015. Collection method: not provided. Allele origin: germline. Inheritance: Autosomal recessive inheritance. Affected: yes.

NM_001374504.1(TMPRSS6):c.390C>T (p.Ser130=)

Gene: TMPRSS6 (transmembrane serine protease 6; minus strand). Cytogenetic location: 22q12.3.
Variant type: single nucleotide variant.
Coding change: c.390C>T on transcript NM_001374504.1 (MANE Select); coding-DNA position 390, C replaced by T.
Protein change: p.Ser130=; no amino-acid change (serine 130 retained).
Molecular consequence: synonymous variant.
Genome position (GRCh38, 1-based): chr22:37,096,662, G>A on the plus strand (C>T on the coding strand, the complement: TMPRSS6 is on the minus strand). VCF-style: chr22-37096662-G-A. GRCh37 (hg19) VCF-style: chr22-37492702-G-A.
Other names: p.Ser139=; c.417C>T (NM_153609.3); c.390C>T, p.Ser130= (NM_001289000.2, NM_001289001.2, NM_153609.4).
Identifiers: ClinVar variation 899547 (VCV000899547.11), dbSNP rs147700428, ClinGen allele CA10216094.